The following is an entry in ClinVar:

NM_000070.3(CAPN3):c.584A>G (p.Asn195Ser)

Gene: CAPN3 (calpain 3; plus strand). Cytogenetic location: 15q15.1.
Variant type: single nucleotide variant.
Coding change: c.584A>G on transcript NM_000070.3 (MANE Select); coding-DNA position 584, A replaced by G.
Protein change: p.Asn195Ser; replaces asparagine 195 with serine.
Molecular consequence: missense variant.
Genome position (GRCh38, 1-based): chr15:42,387,838, A>G. VCF-style: chr15-42387838-A-G. GRCh37 (hg19) VCF-style: chr15-42680036-A-G.
Other names: c.584A>G, p.Asn195Ser (NM_024344.2, NM_173087.2); short protein forms N195S.
Identifiers: ClinVar variation 197101 (VCV000197101.15), dbSNP rs148855999, ClinGen allele CA245053.

ClinVar aggregate classification (germline): Uncertain significance. Review status: criteria provided, multiple submitters, no conflicts (2 of 4 stars). 6 submissions from 6 submitters: Uncertain significance (5). 1 of the submissions does not count toward it. Last evaluated 2025-10-09.

Conditions:
Inborn genetic diseases. Identifiers: MedGen C0950123, MeSH D030342.
Autosomal recessive limb-girdle muscular dystrophy type 2A (LGMDR1). Also called: Muscular dystrophy, limb-girdle, type 2A, Amish; MUSCULAR DYSTROPHY, PELVOFEMORAL; Calpainopathy; Limb-girdle muscular dystrophy, type 2A; LEYDEN-MOEBIUS MUSCULAR DYSTROPHY. Identifiers: Orphanet 267, MedGen C1869123, MONDO:0009675, OMIM 253600. Disease mechanism: loss of function.

Allele frequency attached by ClinVar (database versions not stated): ESP Exome Variant Server 0.00008; TOPMed 0.00009; 1000 Genomes Project 30x 0.00016; 1000 Genomes Project 0.00020.
gnomAD v4.1: 139 of 1,614,192 alleles (0.0086%); highest among the groups gnomAD compares: African/African-American, 0.015%; no homozygotes.

Submissions (6):

Labcorp Genetics (formerly Invitae), Labcorp
Classification: Uncertain significance for Autosomal recessive limb-girdle muscular dystrophy type 2A. Last evaluated: 2025-10-09. Review status: criteria provided, single submitter. Criteria: Invitae Variant Classification Sherloc (09022015). Collection method: clinical testing. Allele origin: germline.
Comment: This sequence change replaces asparagine, which is neutral and polar, with serine, which is neutral and polar, at codon 195 of the CAPN3 protein (p.Asn195Ser). This variant is present in population databases (rs148855999, gnomAD 0.01%). This variant has not been reported in the literature in individuals affected with CAPN3-related conditions. ClinVar contains an entry for this variant (Variation ID: 197101). Invitae Evidence Modeling of protein sequence and biophysical properties (such as structural, functional, and spatial information, amino acid conservation, physicochemical variation, residue mobility, and thermodynamic stability) indicates that this missense variant is not expected to disrupt CAPN3 protein function with a negative predictive value of 80%. In summary, the available evidence is currently insufficient to determine the role of this variant in disease. Therefore, it has been classified as a Variant of Uncertain Significance.

Ambry Genetics
Classification: Uncertain significance for Inborn genetic diseases. Last evaluated: 2025-08-30. Review status: criteria provided, single submitter. Criteria: Ambry Variant Classification Scheme 2023. Collection method: clinical testing. Allele origin: germline.

GeneDx
Classification: Uncertain significance. Last evaluated: 2023-07-27. Review status: criteria provided, single submitter. Criteria: GeneDx Variant Classification Process June 2021. Collection method: clinical testing. Allele origin: germline. Affected: yes.
Comment: In silico analysis supports that this missense variant does not alter protein structure/function; Has not been previously published as pathogenic or benign to our knowledge

Revvity Omics, Revvity
Classification: Uncertain significance. Last evaluated: 2022-05-12. Review status: criteria provided, single submitter. Criteria: ACMG Guidelines, 2015. Collection method: clinical testing. Allele origin: germline.

Eurofins Ntd Llc (ga)
Classification: Uncertain significance. Last evaluated: 2017-06-16. Review status: criteria provided, single submitter. Criteria: EGL Classification Definitions 2015. Collection method: clinical testing. Allele origin: germline. Observed: 3 variant alleles, 3 heterozygotes.

Natera, Inc.
Classification: Uncertain significance for Limb-girdle muscular dystrophy type 2A. Last evaluated: 2019-10-28. Review status: no assertion criteria provided. Collection method: clinical testing. Allele origin: germline. Not counted in ClinVar's aggregate classification.